The following is an entry in ClinVar:

NM_014915.3(ANKRD26):c.1000T>G (p.Ser334Ala)

Gene: ANKRD26 (ankyrin repeat domain containing 26; minus strand). Cytogenetic location: 10p12.1.
Variant type: single nucleotide variant.
Coding change: c.1000T>G on transcript NM_014915.3 (MANE Select); coding-DNA position 1000, T replaced by G.
Protein change: p.Ser334Ala; replaces serine 334 with alanine.
Molecular consequence: missense variant.
Genome position (GRCh38, 1-based): chr10:27,077,415, A>C on the plus strand (T>G on the coding strand, the complement: ANKRD26 is on the minus strand). VCF-style: chr10-27077415-A-C. GRCh37 (hg19) VCF-style: chr10-27366344-A-C.
Other names: c.1000T>G, p.Ser334Ala (NM_001256053.2); short protein forms S334A.
Identifiers: ClinVar variation 3868778 (VCV003868778.1).
Genomic context (GRCh38, chr10:27,077,415, plus strand): 5'-TTGCTAACGACTTGTGGGAAGGTTTTGGAAGAAGGTCAGGTGATTGATAGGTAGGATGAG[A>C]AAAGCACTGGACTTTGATTGATGTTGTAGGAAGGCTTTCAACCACAACTTCATCTTGACT-3'
Protein context (NP_055730.2, residues 324-344): PTTSIKVQCF[Ser334Ala]HPTYQSPDLL

ClinVar aggregate classification (germline): Uncertain significance (1 of 4 stars; one submission).

Conditions:
Inborn genetic diseases. Identifiers: MedGen C0950123, MeSH D030342.

Submission:

Ambry Genetics
Classification: Uncertain significance for Inborn genetic diseases. Last evaluated: 2025-02-02. Review status: criteria provided, single submitter. Criteria: Ambry Variant Classification Scheme 2023. Collection method: clinical testing. Allele origin: germline.
Comment: The p.S334A variant (also known as c.1000T>G), located in coding exon 9 of the ANKRD26 gene, results from a T to G substitution at nucleotide position 1000. The serine at codon 334 is replaced by alanine, an amino acid with similar properties. This amino acid position is conserved. In addition, this alteration is predicted to be tolerated by in silico analysis. Based on the available evidence, the clinical significance of this variant remains unclear.